The following is an entry in ClinVar:

NM_144599.5(NIPA1):c.160G>A (p.Val54Met)

Genes: NIPA1 (NIPA magnesium transporter 1; plus strand), LOC130056709 (ATAC-STARR-seq lymphoblastoid silent region 6259; plus strand). Cytogenetic location: 15q11.2.
Variant type: single nucleotide variant.
Coding change: c.160G>A on transcript NM_144599.5 (MANE Select); coding-DNA position 160, G replaced by A.
Protein change: p.Val54Met; replaces valine 54 with methionine.
Molecular consequence: missense variant. On other transcripts: intron variant (1).
Genome position (GRCh38, 1-based): chr15:22,786,816, G>A. VCF-style: chr15-22786816-G-A. GRCh37 (hg19) VCF-style: chr15-23086252-C-T.
Other names: c.-48+568G>A (NM_001142275.1); short protein forms V54M.
Identifiers: ClinVar variation 1969622 (VCV001969622.5), dbSNP rs2140841523, ClinGen allele CA391298971.

ClinVar aggregate classification (germline): Uncertain significance (1 of 4 stars; one submission).

Conditions:
Hereditary spastic paraplegia 6 (SPG6). Also called: SPASTIC PARAPLEGIA 6, AUTOSOMAL DOMINANT. Identifiers: Orphanet 100988, MedGen C1838192, MONDO:0010878, OMIM 600363.

gnomAD v4.1: 1 of 1,259,404 alleles (0.000079%); highest among the groups gnomAD compares: Non-Finnish European, 0.0001%; no homozygotes.

Submission:

Labcorp Genetics (formerly Invitae), Labcorp
Classification: Uncertain significance for Hereditary spastic paraplegia 6. Last evaluated: 2022-04-18. Review status: criteria provided, single submitter. Criteria: Invitae Variant Classification Sherloc (09022015). Collection method: clinical testing. Allele origin: germline.
Comment: In summary, the available evidence is currently insufficient to determine the role of this variant in disease. Therefore, it has been classified as a Variant of Uncertain Significance. Algorithms developed to predict the effect of missense changes on protein structure and function are either unavailable or do not agree on the potential impact of this missense change (SIFT: "Deleterious"; PolyPhen-2: "Benign"; Align-GVGD: "Class C0"). This variant has not been reported in the literature in individuals affected with NIPA1-related conditions. This variant is not present in population databases (gnomAD no frequency). This sequence change replaces valine, which is neutral and non-polar, with methionine, which is neutral and non-polar, at codon 54 of the NIPA1 protein (p.Val54Met).